The following is an entry in ClinVar:

NM_001271938.2(MEGF8):c.4290G>A (p.Ala1430=)

Gene: MEGF8 (multiple EGF like domains 8; plus strand). Cytogenetic location: 19q13.2.
Variant type: single nucleotide variant.
Coding change: c.4290G>A on transcript NM_001271938.2 (MANE Select); coding-DNA position 4290, G replaced by A.
Protein change: p.Ala1430=; no amino-acid change (alanine 1430 retained).
Molecular consequence: synonymous variant.
Genome position (GRCh38, 1-based): chr19:42,355,903, G>A. VCF-style: chr19-42355903-G-A. GRCh37 (hg19) VCF-style: chr19-42860055-G-A.
Other names: c.4089G>A, p.Ala1363= (NM_001410.3).
Identifiers: ClinVar variation 2650033 (VCV002650033.24), dbSNP rs565713715, ClinGen allele CA9475225.

ClinVar aggregate classification (germline): Likely benign (1 of 4 stars; one submission).

Allele frequency attached by ClinVar (database versions not stated): gnomAD 0.00003; TOPMed 0.00004; ExAC 0.00007.
gnomAD v4.1: 22 of 1,590,938 alleles (0.0014%); highest among the groups gnomAD compares: Middle Eastern, 0.099%; no homozygotes.

Submission:

CeGaT Center for Human Genetics Tuebingen
Classification: Likely benign. Last evaluated: 2023-03-01. Review status: criteria provided, single submitter. Criteria: CeGaT Center For Human Genetics Tuebingen Variant Classification Criteria Version 2. Collection method: clinical testing. Allele origin: germline. Affected: yes. Observed: 1 variant allele.
Comment: MEGF8: BP4, BP7